The following is an entry in ClinVar:

ClinVar aggregate classification (germline): Uncertain significance (1 of 4 stars; one submission).

Conditions:
Malignant hyperthermia, susceptibility to, 1 (MHS1). Also called: RYR1-Related Malignant Hyperthermia Susceptibility; Malignant hyperthermia suceptibility 1; Anesthesia related hyperthermia; Malignant hyperpyrexia; Fulminating hyperpyrexia; Pharmacogenic myopathy. Identifiers: Orphanet 423, MedGen C2930980, MONDO:0007783, OMIM 145600.

Submission:

Color Diagnostics, LLC DBA Color Health
Classification: Uncertain significance for Malignant hyperthermia, susceptibility to, 1. Last evaluated: 2024-02-13. Review status: criteria provided, single submitter. Criteria: ACMG Guidelines, 2015. Collection method: clinical testing. Allele origin: germline.
Comment: This missense variant replaces leucine with phenylalanine at codon 483 of the RYR1 protein. Computational prediction suggests that this variant may not impact protein structure and function. To our knowledge, functional studies have not been reported for this variant. This variant has not been reported in individuals affected with RYR1-related disorders in the literature. This variant has been identified in 1/251486 chromosomes in the general population by the Genome Aggregation Database (gnomAD). The available evidence is insufficient to determine the role of this variant in disease conclusively. Therefore, this variant is classified as a Variant of Uncertain Significance.

NM_000540.3(RYR1):c.1447C>T (p.Leu483Phe)

Genes: RYR1 (ryanodine receptor 1; plus strand), LOC129391106 (MPRA-validated peak3472 silencer; plus strand). Cytogenetic location: 19q13.2.
Variant type: single nucleotide variant.
Coding change: c.1447C>T on transcript NM_000540.3 (MANE Select); coding-DNA position 1447, C replaced by T.
Protein change: p.Leu483Phe; replaces leucine 483 with phenylalanine.
Molecular consequence: missense variant.
Genome position (GRCh38, 1-based): chr19:38,455,241, C>T. VCF-style: chr19-38455241-C-T. GRCh37 (hg19) VCF-style: chr19-38945881-C-T.
Other names: c.1447C>T, p.Leu483Phe (NM_001042723.2); short protein forms L483F.
Identifiers: ClinVar variation 3894478 (VCV003894478.1).